The following is an entry in ClinVar:

ClinVar aggregate classification (germline): Uncertain significance. Review status: criteria provided, multiple submitters, no conflicts (2 of 4 stars). 2 submissions from 2 submitters: Uncertain significance (2). Last evaluated 2026-09-07.

Conditions:
21-Hydroxylase-Deficient Congenital Adrenal Hyperplasia. Also called: ADRENAL HYPERPLASIA, CONGENITAL, DUE TO 21-HYDROXYLASE DEFICIENCY; ADRENAL HYPERPLASIA III. Identifiers: MedGen C2936858, OMIM 201910.

Allele frequency attached by ClinVar (database versions not stated): gnomAD 0.00004; ExAC 0.00007.
gnomAD v4.1: 98 of 1,612,760 alleles (0.0061%); highest among the groups gnomAD compares: Non-Finnish European, 0.0069%; 1 homozygote.

Submissions (2):

Hema, HEMA – Genetic and Molecular Diagnostic Laboratory
Classification: Uncertain significance for 21-Hydroxylase-Deficient Congenital Adrenal Hyperplasia. Last evaluated: 2026-09-07. Review status: criteria provided, single submitter. Criteria: HEMA Variant Classification Assertion Criteria. Collection method: clinical testing. Allele origin: germline.
Comment: The variant NM_000500.9:c.931C>A (p.His311Asn) is a transversion from cytosine to adenine, resulting in the substitution of histidine 311 with asparagine. PM2_Supporting: Present at very low frequency in gnomAD.

Women's Health and Genetics/Laboratory Corporation of America, LabCorp
Classification: Uncertain significance. Last evaluated: 2023-02-14. Review status: criteria provided, single submitter. Criteria: LabCorp Variant Classification Summary - May 2015. Collection method: clinical testing. Allele origin: germline.
Comment: Variant summary: CYP21A2 c.931C>A (p.His311Asn) results in a conservative amino acid change in the encoded protein sequence. Three of five in-silico tools predict a benign effect of the variant on protein function. The variant allele was found at a frequency of 5.7e-05 in 246366 control chromosomes (gnomAD). This frequency is not significantly higher than estimated for a pathogenic variant in CYP21A2 causing Congenital Adrenal Hyperplasia (5.7e-05 vs 0.002), allowing no conclusion about variant significance. c.931C>A has been reported in the literature in at least one individual affected with Congenital Adrenal Hyperplasia (Lobato_1999). The report does not provide unequivocal conclusions about association of the variant with Congenital Adrenal Hyperplasia. To our knowledge, no experimental evidence demonstrating an impact on protein function has been reported. No clinical diagnostic laboratories have submitted clinical-significance assessments for this variant to ClinVar after 2014. Based on the evidence outlined above, the variant was classified as uncertain significance.

Literature cited by the submitters: PubMed 10364682 (cited by Women's Health and Genetics/Laboratory Corporation of America, LabCorp).

NM_000500.9(CYP21A2):c.931C>A (p.His311Asn)

Genes: CYP21A2 (cytochrome P450 family 21 subfamily A member 2; plus strand), LOC106780800 (CYP21A2 recombination region; plus strand). Cytogenetic location: 6p21.33.
Variant type: single nucleotide variant.
Coding change: c.931C>A on transcript NM_000500.9 (MANE Select); coding-DNA position 931, C replaced by A.
Protein change: p.His311Asn; replaces histidine 311 with asparagine.
Molecular consequence: missense variant.
Genome position (GRCh38, 1-based): chr6:32,040,197, C>A. VCF-style: chr6-32040197-C-A. GRCh37 (hg19) VCF-style: chr6-32007974-C-A.
Other names: c.841C>A, p.His281Asn (NM_001128590.4); c.526C>A, p.His176Asn (NM_001368143.2, NM_001368144.2); c.931C>A (NM_000500.7); short protein forms H176N, H281N, H311N.
Identifiers: ClinVar variation 2445833 (VCV002445833.2), dbSNP rs770059546, ClinGen allele CA3732572.